The following is an entry in ClinVar:

ClinVar aggregate classification (germline): Uncertain significance (1 of 4 stars; one submission).

Conditions:
Gorlin syndrome. Also called: Basal cell nevus syndrome; Nevoid Basal Cell Carcinoma Syndrome. Identifiers: Orphanet 377, MedGen C0004779, MONDO:0007187.

Submission:

Labcorp Genetics (formerly Invitae), Labcorp
Classification: Uncertain significance for Gorlin syndrome. Last evaluated: 2023-12-12. Review status: criteria provided, single submitter. Criteria: Invitae Variant Classification Sherloc (09022015). Collection method: clinical testing. Allele origin: germline.
Comment: This sequence change replaces serine, which is neutral and polar, with tryptophan, which is neutral and slightly polar, at codon 3 of the PTCH1 protein (p.Ser3Trp). This variant is not present in population databases (gnomAD no frequency). This variant has not been reported in the literature in individuals affected with PTCH1-related conditions. ClinVar contains an entry for this variant (Variation ID: 653284). Advanced modeling of protein sequence and biophysical properties (such as structural, functional, and spatial information, amino acid conservation, physicochemical variation, residue mobility, and thermodynamic stability) has been performed at Invitae for this missense variant, however the output from this modeling did not meet the statistical confidence thresholds required to predict the impact of this variant on PTCH1 protein function. In summary, the available evidence is currently insufficient to determine the role of this variant in disease. Therefore, it has been classified as a Variant of Uncertain Significance.

NM_000264.5(PTCH1):c.8C>G (p.Ser3Trp)

Genes: PTCH1 (patched 1; minus strand), LOC130002133 (ATAC-STARR-seq lymphoblastoid silent region 20071; plus strand). Cytogenetic location: 9q22.32.
Variant type: single nucleotide variant.
Coding change: c.8C>G on transcript NM_000264.5 (MANE Select); coding-DNA position 8, C replaced by G.
Protein change: p.Ser3Trp; replaces serine 3 with tryptophan.
Molecular consequence: missense variant. On other transcripts: non-coding transcript variant (1), intron variant (3).
Genome position (GRCh38, 1-based): chr9:95,508,354, G>C on the plus strand (C>G on the coding strand, the complement: PTCH1 is on the minus strand). VCF-style: chr9-95508354-G-C. GRCh37 (hg19) VCF-style: chr9-98270636-G-C.
Other names: c.8C>G, p.Ser3Trp (NM_001354918.2); c.199-1755C>G (NM_001083603.3); c.4-1755C>G (NM_001083602.3, NM_001354919.2); short protein forms S3W.
Identifiers: ClinVar variation 653284 (VCV000653284.9), dbSNP rs1587701230, ClinGen allele CA374121772.
Genomic context (GRCh38, chr9:95,508,354, plus strand): 5'-GCACCGATACAGCCGCTGCCGCCGCCGCCGCGGTCCTGGGGCTCGGCGGCGTTACCAGCC[G>C]AGGCCATGTTGCCGCCGCCGCCGCCGCCGCCGCGGGGACGGAGGCTTCCCGGGCGGCCCG-3'
Protein context (NP_000255.2, residues 1-13): MA[Ser3Trp]AGNAAEPQDR